The following is an entry in ClinVar:

ClinVar aggregate classification (germline): Conflicting classifications of pathogenicity. Review status: criteria provided, conflicting classifications (1 of 4 stars). 2 submissions from 2 submitters: Uncertain significance (1); Likely benign (1). Last evaluated 2023-07-24.

Allele frequency attached by ClinVar (database versions not stated): gnomAD exomes below 0.00001; gnomAD 0.00002; TOPMed 0.00002.
gnomAD v4.1: 5 of 1,612,292 alleles (0.00031%); highest among the groups gnomAD compares: African/African-American, 0.0053%; no homozygotes.

Submissions (2):

Labcorp Genetics (formerly Invitae), Labcorp
Classification: Likely benign. Last evaluated: 2023-07-24. Review status: criteria provided, single submitter. Criteria: Invitae Variant Classification Sherloc (09022015). Collection method: clinical testing. Allele origin: germline.

GeneDx
Classification: Uncertain significance. Last evaluated: 2023-05-08. Review status: criteria provided, single submitter. Criteria: GeneDx Variant Classification Process June 2021. Collection method: clinical testing. Allele origin: germline. Affected: yes.
Comment: Not observed at significant frequency in large population cohorts (gnomAD); In silico analysis supports that this variant does not alter splicing; Has not been previously published as pathogenic or benign to our knowledge

NM_194248.3(OTOF):c.3720C>T (p.Ser1240=)

Gene: OTOF (otoferlin; minus strand). Cytogenetic location: 2p23.3.
Variant type: single nucleotide variant.
Coding change: c.3720C>T on transcript NM_194248.3 (MANE Select); coding-DNA position 3720, C replaced by T.
Protein change: p.Ser1240=; no amino-acid change (serine 1240 retained).
Molecular consequence: synonymous variant.
Genome position (GRCh38, 1-based): chr2:26,473,145, G>A on the plus strand (C>T on the coding strand, the complement: OTOF is on the minus strand). VCF-style: chr2-26473145-G-A. GRCh37 (hg19) VCF-style: chr2-26696013-G-A.
Other names: c.3720C>T, p.Ser1240= (NM_001287489.2); c.1479C>T, p.Ser493= (NM_004802.4, NM_194323.3); c.1650C>T, p.Ser550= (NM_194322.3).
Identifiers: ClinVar variation 2663101 (VCV002663101.4), dbSNP rs914180720, ClinGen allele CA44395632.
Genomic context (GRCh38, chr2:26,473,145, plus strand): 5'-TGGGGGGCGTGGAGCCAGGCTTGGTGGCAGGGTGGATGTGGCCATACCCGTGGTGTTCCA[G>A]CTGGGGGCCGAGCGGTCTGGGGGCCGGTAGATGAAGCGTCGCAGGGAGCTGACGGCATGG-3'
Protein context (NP_919224.1, residues 1230-1250): IYRPPDRSAP[Ser1240=]WNTTVRLLRR